The following is an entry in ClinVar:

ClinVar aggregate classification (germline): Benign. Review status: criteria provided, single submitter (1 of 4 stars). 2 submissions from 2 submitters: Benign (1). 1 of the submissions does not count toward it. Last evaluated 2019-12-31.

Conditions:
AHNAK2-related disorder. Also called: AHNAK2-related condition.

Allele frequency attached by ClinVar (database versions not stated): gnomAD exomes 0.00066; ExAC 0.00111; gnomAD 0.00255 and 0.00272; ESP Exome Variant Server 0.00272; TOPMed 0.00322; 1000 Genomes Project 30x 0.00437; 1000 Genomes Project 0.00459.
gnomAD v4.1: 804 of 1,599,844 alleles (0.05%); highest among the groups gnomAD compares: African/African-American, 0.96%; 3 homozygotes.

Submissions (2):

Labcorp Genetics (formerly Invitae), Labcorp
Classification: Benign. Last evaluated: 2019-12-31. Review status: criteria provided, single submitter. Criteria: Invitae Variant Classification Sherloc (09022015). Collection method: clinical testing. Allele origin: germline.

PreventionGenetics, part of Exact Sciences
Classification: Benign for AHNAK2-related condition. Last evaluated: 2019-10-28. Review status: no assertion criteria provided. Collection method: clinical testing. Allele origin: germline. Not counted in ClinVar's aggregate classification.
Comment: This variant is classified as benign based on ACMG/AMP sequence variant interpretation guidelines (Richards et al. 2015 PMID: 25741868, with internal and published modifications).

NM_138420.4(AHNAK2):c.132G>A (p.Ala44=)

Gene: AHNAK2 (AHNAK nucleoprotein 2; minus strand). Cytogenetic location: 14q32.33.
Variant type: single nucleotide variant.
Coding change: c.132G>A on transcript NM_138420.4 (MANE Select); coding-DNA position 132, G replaced by A.
Protein change: p.Ala44=; no amino-acid change (alanine 44 retained).
Molecular consequence: synonymous variant. On other transcripts: 5 prime UTR variant (1).
Genome position (GRCh38, 1-based): chr14:104,957,491, C>T on the plus strand (G>A on the coding strand, the complement: AHNAK2 is on the minus strand). VCF-style: chr14-104957491-C-T. GRCh37 (hg19) VCF-style: chr14-105423828-C-T.
Other names: c.-169G>A (NM_001350929.2).
Identifiers: ClinVar variation 718197 (VCV000718197.6), dbSNP rs2582500, ClinGen allele CA7384151.
Genomic context (GRCh38, chr14:104,957,491, plus strand): 5'-CTCAGTCGTGTATTCGTAGACAGGTGAAGACCCCTGCGGCCGTGGTCGAATGCCCTCATC[C>T]GCAGGCCCTTCAGTCACCTGACGGGAGAGAATCCAGTTATTTTTGCCACTCGGTTCTCCC-3'
Protein context (NP_612429.2, residues 34-54): EDDHSVTEGP[Ala44=]DEGIRPRPQG